The following is an entry in ClinVar:

ClinVar aggregate classification (germline): Likely benign (1 of 4 stars; one submission).

Submission:

CeGaT Center for Human Genetics Tuebingen
Classification: Likely benign. Last evaluated: 2022-05-01. Review status: criteria provided, single submitter. Criteria: CeGaT Center For Human Genetics Tuebingen Variant Classification Criteria Version 2. Collection method: clinical testing. Allele origin: germline. Affected: yes. Observed: 1 variant allele.
Comment: GRIA3: PM2:Supporting, BP4, BP7

NM_007325.5(GRIA3):c.1278A>T (p.Val426=)

Gene: GRIA3 (glutamate ionotropic receptor AMPA type subunit 3; plus strand). Cytogenetic location: Xq25.
Variant type: single nucleotide variant.
Coding change: c.1278A>T on transcript NM_007325.5 (MANE Select); coding-DNA position 1278, A replaced by T.
Protein change: p.Val426=; no amino-acid change (valine 426 retained).
Molecular consequence: synonymous variant.
Genome position (GRCh38, 1-based): chrX:123,403,504, A>T. VCF-style: chrX-123403504-A-T. GRCh37 (hg19) VCF-style: chrX-122537355-A-T.
Other names: c.1278A>T, p.Val426= (NM_000828.5).
Identifiers: ClinVar variation 2661346 (VCV002661346.24), dbSNP rs2521169053, ClinGen allele CA518167420.
Genomic context (GRCh38, chrX:123,403,504, plus strand): 5'-GCCTTTCTCAGATCAGCAAATCAGCAATGACAGTGCATCCTCAGAGAATCGGACCATAGT[A>T]GTGACTACCATTCTGGTAAGTGTGAACAGAAGGTAGGTGGGCTTTCTGTCCAGCAAGACT-3'
Protein context (NP_015564.5, residues 416-436): DSASSENRTI[Val426=]VTTILESPYV